The following is an entry in ClinVar:

NM_003119.4(SPG7):c.847G>A (p.Gly283Arg)

Gene: SPG7 (SPG7 matrix AAA peptidase subunit, paraplegin; plus strand). Cytogenetic location: 16q24.3.
Variant type: single nucleotide variant.
Coding change: c.847G>A on transcript NM_003119.4 (MANE Select); coding-DNA position 847, G replaced by A.
Protein change: p.Gly283Arg; replaces glycine 283 with arginine.
Molecular consequence: missense variant.
Genome position (GRCh38, 1-based): chr16:89,529,565, G>A. VCF-style: chr16-89529565-G-A. GRCh37 (hg19) VCF-style: chr16-89595973-G-A.
Other names: c.847G>A, p.Gly283Arg (NM_001363850.1, NM_199367.3); c.847G>A (NM_003119.2); short protein forms G283R.
Identifiers: ClinVar variation 1369559 (VCV001369559.7), dbSNP rs2058313221, ClinGen allele CA397418801.

ClinVar aggregate classification (germline): Uncertain significance. Review status: criteria provided, multiple submitters, no conflicts (2 of 4 stars). 2 submissions from 2 submitters: Uncertain significance (2). Last evaluated 2025-05-21.

Conditions:
Hereditary spastic paraplegia 7 (SPG7). Also called: Autosomal recessive spastic paraplegia type 7; SPG7-related neurologic disorder; SPASTIC PARAPLEGIA 7, AUTOSOMAL RECESSIVE, WITH OR WITHOUT CEREBELLAR ATAXIA; Spastic paraplegia 7; Hereditary spastic paraplegia Paraplegin type. Identifiers: Orphanet 99013, MedGen C1846564, MONDO:0011803, OMIM 607259.

Allele frequency attached by ClinVar (database versions not stated): gnomAD exomes below 0.00001; TOPMed below 0.00001.
gnomAD v4.1: 1 of 1,612,656 alleles (0.000062%); highest among the groups gnomAD compares: Non-Finnish European, 0.000085%; no homozygotes.

Submissions (2):

GeneDx
Classification: Uncertain significance. Last evaluated: 2025-05-21. Review status: criteria provided, single submitter. Criteria: GeneDx Variant Classification Process June 2021. Collection method: clinical testing. Allele origin: germline. Affected: yes.
Comment: Not observed at significant frequency in large population cohorts (gnomAD); In silico analysis supports that this missense variant has a deleterious effect on protein structure/function; In silico analysis supports a deleterious effect on splicing; Has not been previously published as pathogenic or benign to our knowledge; This variant is associated with the following publications: (PMID: 22571692)

Labcorp Genetics (formerly Invitae), Labcorp
Classification: Uncertain significance for Hereditary spastic paraplegia 7. Last evaluated: 2022-11-08. Review status: criteria provided, single submitter. Criteria: Invitae Variant Classification Sherloc (09022015). Collection method: clinical testing. Allele origin: germline.
Comment: In summary, the available evidence is currently insufficient to determine the role of this variant in disease. Therefore, it has been classified as a Variant of Uncertain Significance. Algorithms developed to predict the effect of sequence changes on RNA splicing suggest that this variant may disrupt the consensus splice site. Advanced modeling of protein sequence and biophysical properties (such as structural, functional, and spatial information, amino acid conservation, physicochemical variation, residue mobility, and thermodynamic stability) performed at Invitae indicates that this missense variant is not expected to disrupt SPG7 protein function. ClinVar contains an entry for this variant (Variation ID: 1369559). This variant has not been reported in the literature in individuals affected with SPG7-related conditions. This variant is not present in population databases (gnomAD no frequency). This sequence change replaces glycine, which is neutral and non-polar, with arginine, which is basic and polar, at codon 283 of the SPG7 protein (p.Gly283Arg).